The following is an entry in ClinVar:

ClinVar aggregate classification (germline): Conflicting classifications of pathogenicity. Review status: criteria provided, conflicting classifications (1 of 4 stars). 3 submissions from 3 submitters: Uncertain significance (2); Likely benign (1). Last evaluated 2025-09-05.

Allele frequency attached by ClinVar (database versions not stated): gnomAD exomes 0.00003 and 0.00007; ExAC 0.00008; ESP Exome Variant Server 0.00025; gnomAD 0.00029 and 0.00031; TOPMed 0.00029; 1000 Genomes Project 0.00040; 1000 Genomes Project 30x 0.00047.
gnomAD v4.1: 85 of 1,614,098 alleles (0.0053%); highest among the groups gnomAD compares: African/African-American, 0.089%; no homozygotes.

Submissions (3):

Ambry Genetics
Classification: Uncertain significance. Last evaluated: 2025-09-05. Review status: criteria provided, single submitter. Criteria: Ambry Variant Classification Scheme 2023. Collection method: clinical testing. Allele origin: germline.

Labcorp Genetics (formerly Invitae), Labcorp
Classification: Uncertain significance. Last evaluated: 2022-04-29. Review status: criteria provided, single submitter. Criteria: Invitae Variant Classification Sherloc (09022015). Collection method: clinical testing. Allele origin: germline.
Comment: In summary, the available evidence is currently insufficient to determine the role of this variant in disease. Therefore, it has been classified as a Variant of Uncertain Significance. Algorithms developed to predict the effect of missense changes on protein structure and function output the following: SIFT: "Tolerated"; PolyPhen-2: "Benign"; Align-GVGD: "Class C0". The cysteine amino acid residue is found in multiple mammalian species, which suggests that this missense change does not adversely affect protein function. ClinVar contains an entry for this variant (Variation ID: 1208227). This variant has not been reported in the literature in individuals affected with DIAPH3-related conditions. This variant is present in population databases (rs76626460, gnomAD 0.09%), and has an allele count higher than expected for a pathogenic variant. This sequence change replaces arginine, which is basic and polar, with cysteine, which is neutral and slightly polar, at codon 1118 of the DIAPH3 protein (p.Arg1118Cys).

GeneDx
Classification: Likely benign. Last evaluated: 2020-12-28. Review status: criteria provided, single submitter. Criteria: GeneDx Variant Classification Process June 2021. Collection method: clinical testing. Allele origin: germline. Affected: yes.

NM_001042517.2(DIAPH3):c.3352C>T (p.Arg1118Cys)

Gene: DIAPH3 (diaphanous related formin 3; minus strand). Cytogenetic location: 13q21.2.
Variant type: single nucleotide variant.
Coding change: c.3352C>T on transcript NM_001042517.2 (MANE Select); coding-DNA position 3352, C replaced by T.
Protein change: p.Arg1118Cys; replaces arginine 1118 with cysteine.
Molecular consequence: missense variant.
Genome position (GRCh38, 1-based): chr13:59,666,814, G>A on the plus strand (C>T on the coding strand, the complement: DIAPH3 is on the minus strand). VCF-style: chr13-59666814-G-A. GRCh37 (hg19) VCF-style: chr13-60240948-G-A.
Other names: c.3319C>T, p.Arg1107Cys (NM_001258366.2); c.3214C>T, p.Arg1072Cys (NM_001258367.2); c.3142C>T, p.Arg1048Cys (NM_001258368.2); short protein forms R1048C, R1072C, R1107C, R1118C.
Identifiers: ClinVar variation 1208227 (VCV001208227.10), dbSNP rs76626460, ClinGen allele CA6996052.
Genomic context (GRCh38, chr13:59,666,814, plus strand): 5'-AATTAAGCTCCTTGGCGACTGGAGTCCTTGTTGAGTTGCAATTGATATTGTAGTGTGAAC[G>A]TGACCCTTCTGTCAACTGCACTTTCTGATTTTCTACAGTAAGGAAAAAAGAAACATAAAA-3'
Protein context (NP_001035982.1, residues 1108-1128): NQKVQLTEGS[Arg1118Cys]SHYNINCNST